The following is an entry in ClinVar:

NM_139057.4(ADAMTS17):c.*510C>T

Gene: ADAMTS17 (ADAM metallopeptidase with thrombospondin type 1 motif 17; minus strand). Cytogenetic location: 15q26.3.
Variant type: single nucleotide variant.
Coding change: c.*510C>T on transcript NM_139057.4 (MANE Select); 510 bases downstream of the stop codon, C replaced by T.
Molecular consequence: 3 prime UTR variant.
Genome position (GRCh38, 1-based): chr15:99,973,892, G>A on the plus strand (C>T on the coding strand, the complement: ADAMTS17 is on the minus strand). VCF-style: chr15-99973892-G-A. GRCh37 (hg19) VCF-style: chr15-100514097-G-A.
Identifiers: ClinVar variation 315224 (VCV000315224.6), dbSNP rs2573650, ClinGen allele CA10636912.

ClinVar aggregate classification (germline): Benign. Review status: criteria provided, multiple submitters, no conflicts (2 of 4 stars). 2 submissions from 2 submitters: Benign (2). Last evaluated 2018-01-12.

Conditions:
Weill-Marchesani 4 syndrome, recessive. Also called: Weill-Marchesani syndrome 4. Identifiers: Orphanet 363992, MedGen C2750787, MONDO:0013176, OMIM 613195.

Allele frequency attached by ClinVar (database versions not stated): gnomAD exomes 0.58935; 1000 Genomes Project 0.66094; 1000 Genomes Project 30x 0.66864; TOPMed 0.67609; gnomAD 0.68570 and 0.69021.
gnomAD v4.1: 141,491 of 215,330 alleles (66%); highest among the groups gnomAD compares: African/African-American, 76%; 47,519 homozygotes.

Submissions (2):

Illumina Laboratory Services, Illumina
Classification: Benign for Weill-Marchesani 4 syndrome, recessive. Last evaluated: 2018-01-12. Review status: criteria provided, single submitter. Criteria: ICSL Variant Classification Criteria 13 December 2019. Collection method: clinical testing. Allele origin: germline.
Comment: This variant was observed in the ICSL laboratory as part of a predisposition screen in an ostensibly healthy population. It had not been previously curated by ICSL or reported in the Human Gene Mutation Database (HGMD: prior to June 1st, 2018), and was therefore a candidate for classification through an automated scoring system. Utilizing variant allele frequency, disease prevalence and penetrance estimates, and inheritance mode, an automated score was calculated to assess if this variant is too frequent to cause the disease. Based on the score and internal cut-off values, a variant classified as benign is not then subjected to further curation. The score for this variant resulted in a classification of benign for this disease.

Breakthrough Genomics
Classification: Benign. Review status: criteria provided, single submitter. Criteria: ACMG Guidelines, 2015. Collection method: not provided. Allele origin: germline. Inheritance: Autosomal recessive inheritance. Affected: yes.